The following is an entry in ClinVar:

NM_000143.4(FH):c.688A>G (p.Lys230Glu)

Gene: FH (fumarate hydratase; minus strand). Cytogenetic location: 1q43.
Variant type: single nucleotide variant.
Coding change: c.688A>G on transcript NM_000143.4 (MANE Select); coding-DNA position 688, A replaced by G.
Protein change: p.Lys230Glu; replaces lysine 230 with glutamic acid.
Molecular consequence: missense variant.
Genome position (GRCh38, 1-based): chr1:241,508,653, T>C on the plus strand (A>G on the coding strand, the complement: FH is on the minus strand). VCF-style: chr1-241508653-T-C. GRCh37 (hg19) VCF-style: chr1-241671953-T-C.
Other names: short protein forms K230E.
Identifiers: ClinVar variation 214375 (VCV000214375.11), dbSNP rs863223967, ClinGen allele CA323255.
Genomic context (GRCh38, chr1:241,508,653, plus strand): 5'-ACTCCTATACCTGCCCAAGAGTAAGTGGAACAGCATCCTGAGTATGAGTACGTCCAATCT[T>C]GATGATCTGTGCAAACTCTTTGGATTTTGCATCAAGAGCATCATGTAACTTCTGTAGTCC-3'
Protein context (NP_000134.2, residues 220-240): AKSKEFAQII[Lys230Glu]IGRTHTQDAV

ClinVar aggregate classification (germline): Pathogenic/Likely pathogenic. Review status: criteria provided, multiple submitters, no conflicts (2 of 4 stars). 2 submissions from 2 submitters: Pathogenic (1); Likely pathogenic (1). Last evaluated 2024-07-29.

Conditions:
Hereditary cancer-predisposing syndrome. Also called: Tumor predisposition; Hereditary Cancer Syndrome; Hereditary neoplastic syndrome; Neoplastic Syndromes, Hereditary. Identifiers: Orphanet 140162, MedGen C0027672, MeSH D009386, MONDO:0015356.

Submissions (3):

Ambry Genetics
Classification: Likely pathogenic for Hereditary cancer-predisposing syndrome. Last evaluated: 2024-07-29. Review status: criteria provided, single submitter. Criteria: Ambry Variant Classification Scheme 2023. Collection method: clinical testing. Allele origin: germline.
Comment: The p.K230E variant (also known as c.688A>G), located in coding exon 5 of the FH gene, results from an A to G substitution at nucleotide position 688. The lysine at codon 230 is replaced by glutamic acid, an amino acid with similar properties. This alteration was identified in an individual diagnosed with type 2 papillary renal cell cancer (Park I et al. BMC Urol, 2019 Jun;19:51). Another variant at the same codon, p.K230R (c.689A>G), has been detected in multiple individuals with features consistent with Hereditary leiomyomatosis and renal cell cancer (HLRCC) (Alam NR et al. Hum. Mol. Genet. 2003 Jun;12(11):1241-52; Toro JR et al. Am. J. Hum. Genet. 2003 Jul;73(1):95-106; Trpkov K et al. Am J Surg Pathol. 2016 07;40:865-75; Al-Shinnag M et al. Front Oncol. 2021 Sep;11:738822; Ambry internal data). This amino acid position is highly conserved in available vertebrate species. In addition, this alteration is predicted to be deleterious by in silico analysis. This variant is considered to be rare based on population cohorts in the Genome Aggregation Database (gnomAD). Based on the majority of available evidence to date, this variant is likely to be pathogenic.

Labcorp Genetics (formerly Invitae), Labcorp
Classification: Pathogenic. Last evaluated: 2023-12-26. Review status: criteria provided, single submitter. Criteria: Invitae Variant Classification Sherloc (09022015). Collection method: clinical testing. Allele origin: germline.
Comment: This sequence change replaces lysine, which is basic and polar, with glutamic acid, which is acidic and polar, at codon 230 of the FH protein (p.Lys230Glu). This variant is not present in population databases (gnomAD no frequency). This missense change has been observed in individual(s) with clinical features of hereditary leiomyomatosis and renal cell cancer (PMID: 29423582, 31182090). It has also been observed to segregate with disease in related individuals. ClinVar contains an entry for this variant (Variation ID: 214375). Advanced modeling of protein sequence and biophysical properties (such as structural, functional, and spatial information, amino acid conservation, physicochemical variation, residue mobility, and thermodynamic stability) performed at Invitae indicates that this missense variant is expected to disrupt FH protein function with a positive predictive value of 95%. This variant disrupts the p.Lys230 amino acid residue in FH. Other variant(s) that disrupt this residue have been determined to be pathogenic (PMID: 9635293, 11865300, 12761039, 12772087, 16206287, 19470762, 26574848). This suggests that this residue is clinically significant, and that variants that disrupt this residue are likely to be disease-causing. For these reasons, this variant has been classified as Pathogenic.

Blake Wilde Laboratory, Roswell Park Comprehensive Cancer Center
No classification provided (evidence only). Condition: Hereditary leiomyomatosis and renal cell cancer. Review status: no classification provided. Collection method: in vitro. Allele origin: not applicable. Functional consequence: decreased enzyme activity. Not counted in ClinVar's aggregate classification.

Literature cited by the submitters: PubMed 31182090 (cited by Ambry Genetics and Labcorp Genetics (formerly Invitae), Labcorp); PubMed 29423582 (cited by Labcorp Genetics (formerly Invitae), Labcorp); PubMed 9635293 (cited by Labcorp Genetics (formerly Invitae), Labcorp); PubMed 11865300 (cited by Labcorp Genetics (formerly Invitae), Labcorp); PubMed 12761039 (cited by Labcorp Genetics (formerly Invitae), Labcorp); PubMed 12772087 (cited by Labcorp Genetics (formerly Invitae), Labcorp); PubMed 16206287 (cited by Labcorp Genetics (formerly Invitae), Labcorp); PubMed 19470762 (cited by Labcorp Genetics (formerly Invitae), Labcorp); PubMed 26574848 (cited by Labcorp Genetics (formerly Invitae), Labcorp).